The following is an entry in ClinVar:

ClinVar aggregate classification (germline): Uncertain significance. Review status: criteria provided, multiple submitters, no conflicts (2 of 4 stars). 4 submissions from 4 submitters: Uncertain significance (4). Last evaluated 2025-09-23.

Conditions:
Ataxia-telangiectasia-like disorder (ATLD). Identifiers: MedGen C1858391, MONDO:0011457.
Hereditary cancer-predisposing syndrome. Also called: Neoplastic Syndromes, Hereditary; Tumor predisposition; Hereditary Cancer Syndrome; Hereditary neoplastic syndrome. Identifiers: Orphanet 140162, MedGen C0027672, MeSH D009386, MONDO:0015356.

Allele frequency attached by ClinVar (database versions not stated): gnomAD exomes below 0.00001 and 0.00001; TOPMed below 0.00001.
gnomAD v4.1: 6 of 1,613,274 alleles (0.00037%); highest among the groups gnomAD compares: Admixed American, 0.0033%; no homozygotes.

Submissions (4):

Women's Health and Genetics/Laboratory Corporation of America, LabCorp
Classification: Uncertain significance. Last evaluated: 2025-09-23. Review status: criteria provided, single submitter. Criteria: LabCorp Variant Classification Summary - May 2015. Collection method: clinical testing. Allele origin: germline.
Comment: Variant summary: MRE11 c.908C>T (p.Thr303Ile) results in a non-conservative amino acid change in the encoded protein sequence. Algorithms developed to predict the effect of missense changes on protein structure and function all suggest that this variant is likely to be disruptive. The variant allele was found at a frequency of 3.7e-06 in 1613274 control chromosomes. c.908C>T has been observed in the homozygous state in at least 1 individual(s) affected with Ataxia Telangiectasia-Like Disorder (example, Aquino_2017). These data indicate that the variant may be associated with disease. To our knowledge, no experimental evidence demonstrating an impact on protein function has been reported. The following publications have been ascertained in the context of this evaluation (PMID: 28699156, 35534704). ClinVar contains an entry for this variant (Variation ID: 481741). Based on the evidence outlined above, the variant was classified as VUS-possibly pathogenic.

Labcorp Genetics (formerly Invitae), Labcorp
Classification: Uncertain significance for Ataxia-telangiectasia-like disorder. Last evaluated: 2024-06-11. Review status: criteria provided, single submitter. Criteria: Invitae Variant Classification Sherloc (09022015). Collection method: clinical testing. Allele origin: germline.
Comment: This sequence change replaces threonine, which is neutral and polar, with isoleucine, which is neutral and non-polar, at codon 303 of the MRE11 protein (p.Thr303Ile). This variant is present in population databases (no rsID available, gnomAD 0.006%). This missense change has been observed in individual(s) with ataxia-telangiectasia-like presentation and/or breast cancer (PMID: 28699156, 35534704). ClinVar contains an entry for this variant (Variation ID: 481741). An algorithm developed to predict the effect of missense changes on protein structure and function (PolyPhen-2) suggests that this variant is likely to be disruptive. In summary, the available evidence is currently insufficient to determine the role of this variant in disease. Therefore, it has been classified as a Variant of Uncertain Significance.

Laboratorio de Genetica e Diagnostico Molecular, Hospital Israelita Albert Einstein
Classification: Uncertain significance. Last evaluated: 2021-08-12. Review status: criteria provided, single submitter. Criteria: ACMG Guidelines, 2015. Collection method: clinical testing. Allele origin: germline. Affected: yes.
Comment: ACMG classification criteria: PM2, PP3

Ambry Genetics
Classification: Uncertain significance for Hereditary cancer-predisposing syndrome. Last evaluated: 2019-03-07. Review status: criteria provided, single submitter. Criteria: Ambry Variant Classification Scheme 2023. Collection method: clinical testing. Allele origin: germline.
Comment: The p.T303I variant (also known as c.908C>T), located in coding exon 8 of the MRE11A gene, results from a C to T substitution at nucleotide position 908. The threonine at codon 303 is replaced by isoleucine, an amino acid with similar properties. This amino acid position is highly conserved in available vertebrate species. In addition, this alteration is predicted to be deleterious by in silico analysis. Since supporting evidence is limited at this time, the clinical significance of this alteration remains unclear.

Literature cited by the submitters: PubMed 35534704 (cited by Women's Health and Genetics/Laboratory Corporation of America, LabCorp and Labcorp Genetics (formerly Invitae), Labcorp); PubMed 28699156 (cited by Women's Health and Genetics/Laboratory Corporation of America, LabCorp and Labcorp Genetics (formerly Invitae), Labcorp).

NM_005591.4(MRE11):c.908C>T (p.Thr303Ile)

Gene: MRE11 (MRE11 double strand break repair nuclease; minus strand). Cytogenetic location: 11q21.
Variant type: single nucleotide variant.
Coding change: c.908C>T on transcript NM_005591.4 (MANE Select); coding-DNA position 908, C replaced by T.
Protein change: p.Thr303Ile; replaces threonine 303 with isoleucine.
Molecular consequence: missense variant.
Genome position (GRCh38, 1-based): chr11:94,470,580, G>A on the plus strand (C>T on the coding strand, the complement: MRE11 is on the minus strand). VCF-style: chr11-94470580-G-A. GRCh37 (hg19) VCF-style: chr11-94203746-G-A.
Other names: c.908C>T, p.Thr303Ile (NM_001330347.2, NM_005590.4); short protein forms T303I.
Identifiers: ClinVar variation 481741 (VCV000481741.17), dbSNP rs1222130330, ClinGen allele CA382374508.
Genomic context (GRCh38, chr11:94,470,580, plus strand): 5'-GGGTTAAAAATGTCTGGATGATTAGCTAGAACAATATCCTCCATGAAAAACTGCCGCACT[G>A]TGTGAAGAGGAATTTTATGCATATTCATCTTCCTCCCTTTAATACGCAGCAAACCAACAT-3'
Protein context (NP_005582.1, residues 293-313): KMNMHKIPLH[Thr303Ile]VRQFFMEDIV